The following is an entry in ClinVar:

ClinVar aggregate classification (germline): Uncertain significance. Review status: criteria provided, multiple submitters, no conflicts (2 of 4 stars). 3 submissions from 3 submitters: Uncertain significance (3). Last evaluated 2025-01-17.

Conditions:
Neurodevelopmental disorder with dysmorphic facies and distal skeletal anomalies. Identifiers: MedGen C5231448, MONDO:0032855, OMIM 618659.
Inborn genetic diseases. Identifiers: MedGen C0950123, MeSH D030342.

Allele frequency attached by ClinVar (database versions not stated): gnomAD exomes 0.00001; TOPMed 0.00001.
gnomAD v4.1: 9 of 1,613,988 alleles (0.00056%); highest among the groups gnomAD compares: East Asian, 0.0022%; no homozygotes.

Submissions (3):

Labcorp Genetics (formerly Invitae), Labcorp
Classification: Uncertain significance. Last evaluated: 2025-01-17. Review status: criteria provided, single submitter. Criteria: Invitae Variant Classification Sherloc (09022015). Collection method: clinical testing. Allele origin: germline.
Comment: This sequence change replaces alanine, which is neutral and non-polar, with threonine, which is neutral and polar, at codon 863 of the ZMIZ1 protein (p.Ala863Thr). This variant is present in population databases (no rsID available, gnomAD 0.007%). This variant has not been reported in the literature in individuals affected with ZMIZ1-related conditions. ClinVar contains an entry for this variant (Variation ID: 977396). Invitae Evidence Modeling of protein sequence and biophysical properties (such as structural, functional, and spatial information, amino acid conservation, physicochemical variation, residue mobility, and thermodynamic stability) indicates that this missense variant is not expected to disrupt ZMIZ1 protein function with a negative predictive value of 95%. In summary, the available evidence is currently insufficient to determine the role of this variant in disease. Therefore, it has been classified as a Variant of Uncertain Significance.

Ambry Genetics
Classification: Uncertain significance for Inborn genetic diseases. Last evaluated: 2023-04-18. Review status: criteria provided, single submitter. Criteria: Ambry Variant Classification Scheme 2023. Collection method: clinical testing. Allele origin: germline.

New York Genome Center
Classification: Uncertain significance for Neurodevelopmental disorder with dysmorphic facies and distal skeletal anomalies. Last evaluated: 2019-11-18. Review status: criteria provided, single submitter. Criteria: NYGC Assertion Criteria 2020. Collection method: clinical testing. Allele origin: inherited. Observed: 1 heterozygote. Study: CSER-NYCKidSeq.

NM_020338.4(ZMIZ1):c.2587G>A (p.Ala863Thr)

Gene: ZMIZ1 (zinc finger MIZ-type containing 1; plus strand). Cytogenetic location: 10q22.3.
Variant type: single nucleotide variant.
Coding change: c.2587G>A on transcript NM_020338.4 (MANE Select); coding-DNA position 2587, G replaced by A.
Protein change: p.Ala863Thr; replaces alanine 863 with threonine.
Molecular consequence: missense variant.
Genome position (GRCh38, 1-based): chr10:79,306,263, G>A. VCF-style: chr10-79306263-G-A. GRCh37 (hg19) VCF-style: chr10-81066020-G-A.
Other names: short protein forms A863T.
Identifiers: ClinVar variation 977396 (VCV000977396.8), dbSNP rs1332317806, ClinGen allele CA377342752.